The following is an entry in ClinVar:

NM_000384.3(APOB):c.9095C>A (p.Thr3032Asn)

Gene: APOB (apolipoprotein B; minus strand). Cytogenetic location: 2p24.1.
Variant type: single nucleotide variant.
Coding change: c.9095C>A on transcript NM_000384.3 (MANE Select); coding-DNA position 9095, C replaced by A.
Protein change: p.Thr3032Asn; replaces threonine 3032 with asparagine.
Molecular consequence: missense variant.
Genome position (GRCh38, 1-based): chr2:21,007,773, G>T on the plus strand (C>A on the coding strand, the complement: APOB is on the minus strand). VCF-style: chr2-21007773-G-T. GRCh37 (hg19) VCF-style: chr2-21230645-G-T.
Other names: short protein forms T3032N.
Identifiers: ClinVar variation 548069 (VCV000548069.10), dbSNP rs754332101, ClinGen allele CA066284.

ClinVar aggregate classification (germline): Conflicting classifications of pathogenicity. Review status: criteria provided, conflicting classifications (1 of 4 stars). 6 submissions from 6 submitters: Uncertain significance (4); Likely benign (2). Last evaluated 2025-12-29.

Conditions:
Cardiovascular phenotype. Identifiers: MedGen CN230736.
Hypercholesterolemia, autosomal dominant, type B (FHCL2). Also called: Familial Hypercholesterolemia Type B; Hyperlipoproteinemia Type IIb; APOLIPOPROTEIN B-100, FAMILIAL DEFECTIVE; APOLIPOPROTEIN B-100, FAMILIAL LIGAND-DEFECTIVE; APOB-Related Familial Hypercholesterolemia, Autosomal Dominant; HYPERCHOLESTEROLEMIA, FAMILIAL, DUE TO LIGAND-DEFECTIVE APOLIPOPROTEIN B. Identifiers: MedGen C1704417, MONDO:0007751, OMIM 144010.
Familial hypobetalipoproteinemia 1. Also called: APOB-Related Familial Hypobetalipoproteinemia; Hypobetalipoproteinemia, normotriglyceridemic; Acanthocytosis with hypobetalipoproteinemia. Identifiers: MedGen C4551990, MONDO:0014252, OMIM 615558.
Hypercholesterolemia, familial, 1. Also called: LDL RECEPTOR DISORDER; Hyperlipoproteinemia Type IIa; HYPER-LOW-DENSITY-LIPOPROTEINEMIA; HYPERCHOLESTEROLEMIC XANTHOMATOSIS, FAMILIAL; Fredrickson type IIa hyperlipoproteinemia; Hyperlipoproteinemia type 2. Identifiers: Orphanet 391665, MedGen C0745103, MONDO:0007750, OMIM 143890.

Allele frequency attached by ClinVar (database versions not stated): TOPMed 0.00001; gnomAD 0.00002 and 0.00003.
gnomAD v4.1: 20 of 1,613,904 alleles (0.0012%); highest among the groups gnomAD compares: Admixed American, 0.01%; no homozygotes.

Submissions (6):

Ambry Genetics
Classification: Likely benign for Cardiovascular phenotype. Last evaluated: 2025-12-29. Review status: criteria provided, single submitter. Criteria: Ambry Variant Classification Scheme 2023. Collection method: clinical testing. Allele origin: germline.

Labcorp Genetics (formerly Invitae), Labcorp
Classification: Likely benign for Familial hypobetalipoproteinemia 1; Hypercholesterolemia, autosomal dominant, type B. Last evaluated: 2024-06-28. Review status: criteria provided, single submitter. Criteria: Invitae Variant Classification Sherloc (09022015). Collection method: clinical testing. Allele origin: germline.

Blueprint Genetics
Classification: Uncertain significance. Last evaluated: 2024-02-12. Review status: criteria provided, single submitter. Criteria: ACMG Guidelines, 2015. Collection method: clinical testing. Allele origin: germline.

GeneDx
Classification: Uncertain significance. Last evaluated: 2023-01-18. Review status: criteria provided, single submitter. Criteria: GeneDx Variant Classification Process June 2021. Collection method: clinical testing. Allele origin: germline. Affected: yes.
Comment: In silico analysis supports that this missense variant has a deleterious effect on protein structure/function; Identified in an individual from a cohort of patients with combined hyperlipidemia, but familial segregation information and additional clinical information were not included (Gill et al., 2021); This variant is associated with the following publications: (PMID: 30076208, 33303402)

Fulgent Genetics
Classification: Uncertain significance for Hypercholesterolemia, autosomal dominant, type B; Familial hypobetalipoproteinemia 1. Last evaluated: 2021-11-12. Review status: criteria provided, single submitter. Criteria: ACMG Guidelines, 2015. Collection method: clinical testing. Allele origin: unknown.

Robarts Research Institute, Western University
Classification: Uncertain significance for Hypercholesterolemia, familial, 1. Last evaluated: 2018-01-02. Review status: criteria provided, single submitter. Criteria: ACMG Guidelines, 2015. Collection method: clinical testing. Allele origin: germline. Inheritance: Autosomal dominant inheritance. Affected: yes.

Literature cited by the submitters: PubMed 33303402 (cited by Ambry Genetics).